The following is an entry in ClinVar:

NM_021942.6(TRAPPC11):c.666_669del (p.Phe223fs)

Gene: TRAPPC11 (trafficking protein particle complex subunit 11; plus strand). Cytogenetic location: 4q35.1.
Variant type: Deletion.
Coding change: c.666_669del on transcript NM_021942.6 (MANE Select); coding-DNA positions 666 to 669, 4 bases deleted (ATTT; older notation c.666_669delATTT).
Protein change: p.Phe223fs; shifts the reading frame from phenylalanine 223.
Molecular consequence: frameshift variant.
Genome position (GRCh38, 1-based): chr4:183,675,169-183,675,172, ATTT deleted; deleting any 4 consecutive bases within chr4:183,675,166-183,675,172 gives the same sequence; the c. name uses the placement nearest the transcript's 3' end. VCF-style (leftmost placement, unchanged base first): chr4-183675165-TTTTA-T. GRCh37 (hg19) VCF-style: chr4-184596318-TTTTA-T.
Other names: c.666_669del, p.Phe223fs (NM_199053.3); short protein forms F223fs.
Identifiers: ClinVar variation 2850813 (VCV002850813.4), dbSNP rs1735351912, ClinGen allele CA1518714684.

ClinVar aggregate classification (germline): Pathogenic (1 of 4 stars; one submission).

Conditions:
Autosomal recessive limb-girdle muscular dystrophy type R18 (LGMDR18). Also called: MUSCULAR DYSTROPHY, LIMB-GIRDLE, AUTOSOMAL RECESSIVE 18; Limb-girdle muscular dystrophy, type 2S; Autosomal recessive limb-girdle muscular dystrophy type 2S. Identifiers: Orphanet 369840, MedGen C4517996, MONDO:0014144, OMIM 615356.

Submission:

Labcorp Genetics (formerly Invitae), Labcorp
Classification: Pathogenic for Autosomal recessive limb-girdle muscular dystrophy type R18. Last evaluated: 2023-03-02. Review status: criteria provided, single submitter. Criteria: Invitae Variant Classification Sherloc (09022015). Collection method: clinical testing. Allele origin: germline.
Comment: For these reasons, this variant has been classified as Pathogenic. This variant has not been reported in the literature in individuals affected with TRAPPC11-related conditions. This variant is not present in population databases (gnomAD no frequency). This sequence change creates a premature translational stop signal (p.Phe223Leufs*7) in the TRAPPC11 gene. It is expected to result in an absent or disrupted protein product. Loss-of-function variants in TRAPPC11 are known to be pathogenic (PMID: 23830518, 26322222).

Literature cited by the submitters: PubMed 23830518; PubMed 26322222.